The following is an entry in ClinVar:

NC_000012.11:g.(?_2558122)_(2566892_?)dup

Gene: CACNA1C (calcium voltage-gated channel subunit alpha1 C; plus strand). Cytogenetic location: 12p13.33.
Variant type: Duplication.
Identifiers: ClinVar variation 1511066 (VCV001511066.5).

ClinVar aggregate classification (germline): Uncertain significance (1 of 4 stars; one submission).

Conditions:
Long QT syndrome (LQTS). Identifiers: MedGen C0023976, MeSH D008133, MONDO:0002442. Disease mechanism: loss of function. Inheritance: Various modes of inheritance.

Submission:

Labcorp Genetics (formerly Invitae), Labcorp
Classification: Uncertain significance for Long QT syndrome. Last evaluated: 2021-09-15. Review status: criteria provided, single submitter. Criteria: Invitae Variant Classification Sherloc (09022015). Collection method: clinical testing. Allele origin: germline.
Comment: In summary, the available evidence is currently insufficient to determine the role of this variant in disease. Therefore, it has been classified as a Variant of Uncertain Significance. This variant has not been reported in the literature in individuals affected with CACNA1C-related conditions. This variant results in a copy number gain of the genomic region encompassing exon(s) 4-5 of the CACNA1C gene. While the exact position of this variant cannot be determined from the data, sub-genic copy number gains are generally in tandem (PMID: 25640679). This variant is predicted to be out-of-frame, and may result in an absent or disrupted protein product. However, the current clinical and genetic evidence is not sufficient to establish whether loss-of-function variants in CACNA1C cause disease.

Literature cited by the submitters: PubMed 25640679.